The following is an entry in ClinVar:

NM_176824.3(BBS7):c.1618T>C (p.Cys540Arg)

Gene: BBS7 (Bardet-Biedl syndrome 7; minus strand). Cytogenetic location: 4q27.
Variant type: single nucleotide variant.
Coding change: c.1618T>C on transcript NM_176824.3 (MANE Select); coding-DNA position 1618, T replaced by C.
Protein change: p.Cys540Arg; replaces cysteine 540 with arginine.
Molecular consequence: missense variant.
Genome position (GRCh38, 1-based): chr4:121,833,289, A>G on the plus strand (T>C on the coding strand, the complement: BBS7 is on the minus strand). VCF-style: chr4-121833289-A-G. GRCh37 (hg19) VCF-style: chr4-122754444-A-G.
Other names: c.1618T>C, p.Cys540Arg (NM_018190.4); short protein forms C540R.
Identifiers: ClinVar variation 3353651 (VCV003353651.1).

ClinVar aggregate classification (germline): Uncertain significance (0 of 4 stars; one submission).

Conditions:
BBS7-related disorder. Also called: BBS7-related condition.

gnomAD v4.1: 1 of 1,614,028 alleles (0.000062%); highest among the groups gnomAD compares: East Asian, 0.0022%; no homozygotes.

Submission:

PreventionGenetics, part of Exact Sciences
Classification: Uncertain significance for BBS7-related condition. Last evaluated: 2024-07-26. Review status: no assertion criteria provided. Collection method: clinical testing. Allele origin: germline.
Comment: The BBS7 c.1618T>C variant is predicted to result in the amino acid substitution p.Cys540Arg. To our knowledge, this variant has not been reported in the literature or in a large population database, indicating this variant is rare. At this time, the clinical significance of this variant is uncertain due to the absence of conclusive functional and genetic evidence.